The following is an entry in ClinVar:

NM_022482.5(GZF1):c.481C>G (p.Pro161Ala)

Gene: GZF1 (GDNF inducible zinc finger protein 1; plus strand). Cytogenetic location: 20p11.21.
Variant type: single nucleotide variant.
Coding change: c.481C>G on transcript NM_022482.5 (MANE Select); coding-DNA position 481, C replaced by G.
Protein change: p.Pro161Ala; replaces proline 161 with alanine.
Molecular consequence: missense variant.
Genome position (GRCh38, 1-based): chr20:23,364,864, C>G. VCF-style: chr20-23364864-C-G. GRCh37 (hg19) VCF-style: chr20-23345501-C-G.
Other names: c.481C>G, p.Pro161Ala (NM_001317012.2, NM_001317019.1); short protein forms P161A.
Identifiers: ClinVar variation 1518966 (VCV001518966.4), dbSNP rs1208819145, ClinGen allele CA408409662.
Genomic context (GRCh38, chr20:23,364,864, plus strand): 5'-CAAAATTTCTCAGAGTCTCAGGAGGTGGAGGTGAGCAGTGGCTCCCAAGTTAGTGCTGCT[C>G]CTGCCCCCAGGGCAAGTGTGGCCACCGATGGCCCTCACCCCAGTGGTCTCACGGATTCCT-3'
Protein context (NP_071927.1, residues 151-171): VSSGSQVSAA[Pro161Ala]APRASVATDG

ClinVar aggregate classification (germline): Uncertain significance (1 of 4 stars; one submission).

gnomAD v4.1: 2 of 1,614,218 alleles (0.00012%); highest among the groups gnomAD compares: Admixed American, 0.0033%; no homozygotes.

Submission:

Labcorp Genetics (formerly Invitae), Labcorp
Classification: Uncertain significance. Last evaluated: 2021-09-18. Review status: criteria provided, single submitter. Criteria: Invitae Variant Classification Sherloc (09022015). Collection method: clinical testing. Allele origin: germline.
Comment: This variant is not present in population databases (ExAC no frequency). This sequence change replaces proline with alanine at codon 161 of the GZF1 protein (p.Pro161Ala). The proline residue is weakly conserved and there is a small physicochemical difference between proline and alanine. This variant has not been reported in the literature in individuals affected with GZF1-related conditions. In summary, the available evidence is currently insufficient to determine the role of this variant in disease. Therefore, it has been classified as a Variant of Uncertain Significance. Algorithms developed to predict the effect of missense changes on protein structure and function output the following: SIFT: "Not Available"; PolyPhen-2: "Benign"; Align-GVGD: "Not Available". The alanine amino acid residue is found in multiple mammalian species, which suggests that this missense change does not adversely affect protein function.